The following is an entry in ClinVar:

NM_014634.4(PPM1F):c.346C>T (p.Pro116Ser)

Genes: PPM1F (protein phosphatase, Mg2+/Mn2+ dependent 1F; minus strand), PPM1F-AS1 (PPM1F antisense RNA 1; plus strand). Cytogenetic location: 22q11.22.
Variant type: single nucleotide variant.
Coding change: c.346C>T on transcript NM_014634.4 (MANE Select); coding-DNA position 346, C replaced by T.
Protein change: p.Pro116Ser; replaces proline 116 with serine.
Molecular consequence: missense variant. On other transcripts: non-coding transcript variant (1), 5 prime UTR variant (1).
Genome position (GRCh38, 1-based): chr22:21,939,541, G>A on the plus strand (C>T on the coding strand, the complement: PPM1F is on the minus strand). VCF-style: chr22-21939541-G-A. GRCh37 (hg19) VCF-style: chr22-22293913-G-A.
Other names: c.-159C>T (NM_001410836.1); short protein forms P116S.
Identifiers: ClinVar variation 3668093 (VCV003668093.2).

ClinVar aggregate classification (germline): Uncertain significance (1 of 4 stars; one submission).

gnomAD v4.1: 1 of 1,596,084 alleles (0.000063%); highest among the groups gnomAD compares: Non-Finnish European, 0.000085%; no homozygotes.

Submission:

Labcorp Genetics (formerly Invitae), Labcorp
Classification: Uncertain significance. Last evaluated: 2024-06-21. Review status: criteria provided, single submitter. Criteria: Invitae Variant Classification Sherloc (09022015). Collection method: clinical testing. Allele origin: germline.
Comment: This sequence change replaces proline, which is neutral and non-polar, with serine, which is neutral and polar, at codon 116 of the PPM1F protein (p.Pro116Ser). This variant is not present in population databases (gnomAD no frequency). This variant has not been reported in the literature in individuals affected with PPM1F-related conditions. An algorithm developed to predict the effect of missense changes on protein structure and function (PolyPhen-2) suggests that this variant is likely to be tolerated. In summary, the available evidence is currently insufficient to determine the role of this variant in disease. Therefore, it has been classified as a Variant of Uncertain Significance.